The following is an entry in ClinVar:

ClinVar aggregate classification (germline): Uncertain significance (1 of 4 stars; one submission).

Submission:

GeneDx
Classification: Uncertain significance. Last evaluated: 2024-10-24. Review status: criteria provided, single submitter. Criteria: GeneDx Variant Classification Process June 2021. Collection method: clinical testing. Allele origin: germline. Affected: yes.
Comment: Not observed at significant frequency in large population cohorts (gnomAD); In silico analysis supports that this missense variant has a deleterious effect on protein structure/function; Has not been previously published as pathogenic or benign to our knowledge

NM_004780.3(TCEAL1):c.353A>G (p.His118Arg)

Gene: TCEAL1 (transcription elongation factor A like 1; plus strand). Cytogenetic location: Xq22.2.
Variant type: single nucleotide variant.
Coding change: c.353A>G on transcript NM_004780.3 (MANE Select); coding-DNA position 353, A replaced by G.
Protein change: p.His118Arg; replaces histidine 118 with arginine.
Molecular consequence: missense variant.
Genome position (GRCh38, 1-based): chrX:103,630,269, A>G. VCF-style: chrX-103630269-A-G. GRCh37 (hg19) VCF-style: chrX-102885197-A-G.
Other names: c.353A>G, p.His118Arg (NM_001006639.2, NM_001006640.2); short protein forms H118R.
Identifiers: ClinVar variation 3893549 (VCV003893549.1).